The following is an entry in ClinVar:

ClinVar aggregate classification (germline): Uncertain significance (1 of 4 stars; one submission).

Conditions:
Severe combined immunodeficiency due to DNA-PKcs deficiency. Also called: Immunodeficiency 26 with or without neurologic abnormalities; IMMUNODEFICIENCY 26 WITH NEUROLOGIC ABNORMALITIES. Identifiers: Orphanet 317425, MedGen C4014833, MONDO:0014423, OMIM 615966.

Allele frequency attached by ClinVar (database versions not stated): TOPMed below 0.00001.

Submission:

Labcorp Genetics (formerly Invitae), Labcorp
Classification: Uncertain significance for Severe combined immunodeficiency due to DNA-PKcs deficiency. Last evaluated: 2022-06-09. Review status: criteria provided, single submitter. Criteria: Invitae Variant Classification Sherloc (09022015). Collection method: clinical testing. Allele origin: germline.
Comment: This sequence change replaces leucine, which is neutral and non-polar, with phenylalanine, which is neutral and non-polar, at codon 143 of the PRKDC protein (p.Leu143Phe). This variant is not present in population databases (gnomAD no frequency). In summary, the available evidence is currently insufficient to determine the role of this variant in disease. Therefore, it has been classified as a Variant of Uncertain Significance. ClinVar contains an entry for this variant (Variation ID: 844984). This variant has not been reported in the literature in individuals affected with PRKDC-related conditions.

NM_006904.7(PRKDC):c.427C>T (p.Leu143Phe)

Gene: PRKDC (protein kinase, DNA-activated, catalytic subunit; minus strand). Cytogenetic location: 8q11.21.
Variant type: single nucleotide variant.
Coding change: c.427C>T on transcript NM_006904.7 (MANE Select); coding-DNA position 427, C replaced by T.
Protein change: p.Leu143Phe; replaces leucine 143 with phenylalanine.
Molecular consequence: missense variant.
Genome position (GRCh38, 1-based): chr8:47,954,419, G>A on the plus strand (C>T on the coding strand, the complement: PRKDC is on the minus strand). VCF-style: chr8-47954419-G-A. GRCh37 (hg19) VCF-style: chr8-48866979-G-A.
Other names: c.427C>T, p.Leu143Phe (NM_001081640.2); short protein forms L143F.
Identifiers: ClinVar variation 844984 (VCV000844984.9), dbSNP rs756309558, ClinGen allele CA176150669.